The following is an entry in ClinVar:

ClinVar aggregate classification (germline): Likely pathogenic (1 of 4 stars; one submission).

Conditions:
Propionic acidemia (PROP). Also called: GLYCINEMIA, KETOTIC; HYPERGLYCINEMIA WITH KETOACIDOSIS AND LEUKOPENIA; KETOTIC HYPERGLYCINEMIA. Identifiers: Orphanet 35, MedGen C0268579, MONDO:0011628, OMIM 606054, HP:0003571.

Submission:

Natera, Inc.
Classification: Likely pathogenic for Propionic acidemia. Last evaluated: 2024-06-18. Review status: criteria provided, single submitter. Criteria: Natera Variant Classification Schema (03/2026). Collection method: clinical testing. Allele origin: germline.
Comment: The c.91C>T variant in PCCB is a nonsense variant predicted to introduce a stop codon at amino acid 31. This variant is expected to result in nonsense mediated decay, truncation, or a dysfunctional protein product. This variant is rare in the general population with a frequency below the threshold expected for the associated phenotype(s). Given the available evidence, this variant is classified as Likely Pathogenic.

NM_000532.5(PCCB):c.91C>T (p.Gln31Ter)

Gene: PCCB (propionyl-CoA carboxylase subunit beta; plus strand). Cytogenetic location: 3q22.3.
Variant type: single nucleotide variant.
Coding change: c.91C>T on transcript NM_000532.5 (MANE Select); coding-DNA position 91, C replaced by T.
Protein change: p.Gln31Ter; replaces glutamine 31 with a stop codon.
Molecular consequence: nonsense.
Genome position (GRCh38, 1-based): chr3:136,250,466, C>T. VCF-style: chr3-136250466-C-T. GRCh37 (hg19) VCF-style: chr3-135969308-C-T.
Other names: c.91C>T, p.Gln31Ter (NM_001178014.2); short protein forms Q31*.
Identifiers: ClinVar variation 4814332 (VCV004814332.1).
Genomic context (GRCh38, chr3:136,250,466, plus strand): 5'-GGGGCAAGGCTCAGCGTTCTGGCGAGCGGTCTCCGCGCCGCGGTCCGCAGCCTTTGCAGC[C>T]AGGCCACCTCTGTTAACGAACGCATCGAAAACAAGCGCCGGACCGCGCTGCTGGGAGGGG-3'